The following is an entry in ClinVar:

NM_004994.3(MMP9):c.1681C>T (p.Pro561Ser)

Genes: MMP9 (matrix metallopeptidase 9; plus strand), SLC12A5-AS1 (SLC12A5 and MMP9 antisense RNA 1; minus strand). Cytogenetic location: 20q13.12.
Variant type: single nucleotide variant.
Coding change: c.1681C>T on transcript NM_004994.3 (MANE Select); coding-DNA position 1681, C replaced by T.
Protein change: p.Pro561Ser; replaces proline 561 with serine.
Molecular consequence: missense variant. On other transcripts: non-coding transcript variant (1).
Genome position (GRCh38, 1-based): chr20:46,013,727, C>T. VCF-style: chr20-46013727-C-T. GRCh37 (hg19) VCF-style: chr20-44642366-C-T.
Other names: short protein forms P561S.
Identifiers: ClinVar variation 1351392 (VCV001351392.8), dbSNP rs141966515, ClinGen allele CA9886804.

ClinVar aggregate classification (germline): Uncertain significance (1 of 4 stars; one submission).

Allele frequency attached by ClinVar (database versions not stated): ExAC 0.00001; ESP Exome Variant Server 0.00008.

Submission:

Labcorp Genetics (formerly Invitae), Labcorp
Classification: Uncertain significance. Last evaluated: 2022-10-24. Review status: criteria provided, single submitter. Criteria: Invitae Variant Classification Sherloc (09022015). Collection method: clinical testing. Allele origin: germline.
Comment: In summary, the available evidence is currently insufficient to determine the role of this variant in disease. Therefore, it has been classified as a Variant of Uncertain Significance. Advanced modeling of protein sequence and biophysical properties (such as structural, functional, and spatial information, amino acid conservation, physicochemical variation, residue mobility, and thermodynamic stability) performed at Invitae indicates that this missense variant is not expected to disrupt MMP9 protein function. ClinVar contains an entry for this variant (Variation ID: 1351392). This variant has not been reported in the literature in individuals affected with MMP9-related conditions. This variant is present in population databases (rs141966515, gnomAD 0.007%). This sequence change replaces proline, which is neutral and non-polar, with serine, which is neutral and polar, at codon 561 of the MMP9 protein (p.Pro561Ser).